The following is an entry in ClinVar:

ClinVar aggregate classification (germline): Uncertain significance (1 of 4 stars; one submission).

Conditions:
Kabuki syndrome 2 (KABUK2). Also called: KDM6A-Related Kabuki Syndrome. Identifiers: Orphanet 2322, MedGen C3275495, MONDO:0010465, OMIM 300867.

Submission:

Labcorp Genetics (formerly Invitae), Labcorp
Classification: Uncertain significance for Kabuki syndrome 2. Last evaluated: 2021-12-15. Review status: criteria provided, single submitter. Criteria: Invitae Variant Classification Sherloc (09022015). Collection method: clinical testing. Allele origin: germline.
Comment: Algorithms developed to predict the effect of missense changes on protein structure and function (SIFT, PolyPhen-2, Align-GVGD) all suggest that this variant is likely to be tolerated. This variant has not been reported in the literature in individuals affected with KDM6A-related conditions. This variant is not present in population databases (gnomAD no frequency). This sequence change replaces alanine, which is neutral and non-polar, with glycine, which is neutral and non-polar, at codon 482 of the KDM6A protein (p.Ala482Gly). In summary, the available evidence is currently insufficient to determine the role of this variant in disease. Therefore, it has been classified as a Variant of Uncertain Significance.

NM_001291415.2(KDM6A):c.1601C>G (p.Ala534Gly)

Gene: KDM6A (lysine demethylase 6A; plus strand). Cytogenetic location: Xp11.3.
Variant type: single nucleotide variant.
Coding change: c.1601C>G on transcript NM_001291415.2 (MANE Select); coding-DNA position 1601, C replaced by G.
Protein change: p.Ala534Gly; replaces alanine 534 with glycine.
Molecular consequence: missense variant. On other transcripts: intron variant (1).
Genome position (GRCh38, 1-based): chrX:45,062,666, C>G. VCF-style: chrX-45062666-C-G. GRCh37 (hg19) VCF-style: chrX-44921911-C-G.
Other names: c.1466C>G, p.Ala489Gly (NM_001291416.2); c.1310C>G, p.Ala437Gly (NM_001291417.2); c.557C>G, p.Ala186Gly (NM_001291421.2); c.1445C>G, p.Ala482Gly (NM_021140.4); c.1291-756C>G (NM_001291418.2); short protein forms A482G, A186G, A489G, A534G, A437G.
Identifiers: ClinVar variation 2043679 (VCV002043679.4), dbSNP rs2522833264, ClinGen allele CA412786802.